The following is an entry in ClinVar:

ClinVar aggregate classification (germline): Likely benign. Review status: criteria provided, multiple submitters, no conflicts (2 of 4 stars). 3 submissions from 3 submitters: Likely benign (2). 1 of the submissions does not count toward it. Last evaluated 2025-12-31.

Conditions:
FRAS1-related disorder. Also called: FRAS1-related condition.

Allele frequency attached by ClinVar (database versions not stated): ExAC 0.00003; gnomAD exomes 0.00003; gnomAD 0.00006; ESP Exome Variant Server 0.00008; TOPMed 0.00009.
gnomAD v4.1: 60 of 1,612,894 alleles (0.0037%); highest among the groups gnomAD compares: Admixed American, 0.015%; no homozygotes.

Submissions (3):

Labcorp Genetics (formerly Invitae), Labcorp
Classification: Likely benign. Last evaluated: 2025-12-31. Review status: criteria provided, single submitter. Criteria: Invitae Variant Classification Sherloc (09022015). Collection method: clinical testing. Allele origin: germline.

CeGaT Center for Human Genetics Tuebingen
Classification: Likely benign. Last evaluated: 2025-09-01. Review status: criteria provided, single submitter. Criteria: CeGaT Center For Human Genetics Tuebingen Variant Classification Criteria Version 2. Collection method: clinical testing. Allele origin: germline. Affected: yes. Observed: 1 variant allele.
Comment: FRAS1: BP4, BP7

PreventionGenetics, part of Exact Sciences
Classification: Likely benign for FRAS1-related condition. Last evaluated: 2020-01-31. Review status: no assertion criteria provided. Collection method: clinical testing. Allele origin: germline. Not counted in ClinVar's aggregate classification.
Comment: This variant is classified as likely benign based on ACMG/AMP sequence variant interpretation guidelines (Richards et al. 2015 PMID: 25741868, with internal and published modifications).

NM_025074.7(FRAS1):c.11076A>G (p.Lys3692=)

Genes: FRAS1 (Fraser extracellular matrix complex subunit 1; plus strand), LOC126807089 (CDK7 strongly-dependent group 2 enhancer GRCh37_chr4:79455131-79456330; plus strand). Cytogenetic location: 4q21.21.
Variant type: single nucleotide variant.
Coding change: c.11076A>G on transcript NM_025074.7 (MANE Select); coding-DNA position 11076, A replaced by G.
Protein change: p.Lys3692=; no amino-acid change (lysine 3692 retained).
Molecular consequence: synonymous variant.
Genome position (GRCh38, 1-based): chr4:78,534,599, A>G. VCF-style: chr4-78534599-A-G. GRCh37 (hg19) VCF-style: chr4-79455753-A-G.
Other names: c.11076A>G (NM_025074.6).
Identifiers: ClinVar variation 2972126 (VCV002972126.12), dbSNP rs369945044, ClinGen allele CA2979126.